The following is an entry in ClinVar:

ClinVar aggregate classification (germline): Benign/Likely benign. Review status: criteria provided, multiple submitters, no conflicts (2 of 4 stars). 3 submissions from 3 submitters: Benign (1); Likely benign (2). Last evaluated 2026-01-06.

Allele frequency attached by ClinVar (database versions not stated): gnomAD exomes 0.00006; ExAC 0.00016; 1000 Genomes Project 0.00020; 1000 Genomes Project 30x 0.00047; gnomAD 0.00060; ESP Exome Variant Server 0.00062; TOPMed 0.00073.
gnomAD v4.1: 177 of 1,487,046 alleles (0.012%); highest among the groups gnomAD compares: African/African-American, 0.22%; no homozygotes.

Submissions (3):

Labcorp Genetics (formerly Invitae), Labcorp
Classification: Benign. Last evaluated: 2026-01-06. Review status: criteria provided, single submitter. Criteria: Invitae Variant Classification Sherloc (09022015). Collection method: clinical testing. Allele origin: germline.

Blueprint Genetics
Classification: Likely benign. Last evaluated: 2024-10-02. Review status: criteria provided, single submitter. Criteria: ACMG Guidelines, 2015. Collection method: clinical testing. Allele origin: germline.

Mayo Clinic Laboratories, Mayo Clinic
Classification: Likely benign. Last evaluated: 2022-06-14. Review status: criteria provided, single submitter. Criteria: ACMG Guidelines, 2015. Collection method: clinical testing. Allele origin: germline. Observed: 3 variant alleles.
Comment: BP4, BP7

NM_000301.5(PLG):c.2125+13C>A

Gene: PLG (plasminogen; plus strand). Cytogenetic location: 6q26.
Variant type: single nucleotide variant.
Coding change: c.2125+13C>A on transcript NM_000301.5 (MANE Select); 13 bases into the intron after coding-DNA position 2125, C replaced by A.
Molecular consequence: intron variant.
Genome position (GRCh38, 1-based): chr6:160,741,430, C>A. VCF-style: chr6-160741430-C-A. GRCh37 (hg19) VCF-style: chr6-161162462-C-A.
Other names: c.2125+13C>A (NM_000301.3).
Identifiers: ClinVar variation 1990805 (VCV001990805.6), dbSNP rs367609652, ClinGen allele CA4087996.